The following is an entry in ClinVar:

NM_001854.4(COL11A1):c.3931G>C (p.Val1311Leu)

Gene: COL11A1 (collagen type XI alpha 1 chain; minus strand). Cytogenetic location: 1p21.1.
Variant type: single nucleotide variant.
Coding change: c.3931G>C on transcript NM_001854.4 (MANE Select); coding-DNA position 3931, G replaced by C.
Protein change: p.Val1311Leu; replaces valine 1311 with leucine.
Molecular consequence: missense variant. On other transcripts: non-coding transcript variant (1).
Genome position (GRCh38, 1-based): chr1:102,914,399, C>G on the plus strand (G>C on the coding strand, the complement: COL11A1 is on the minus strand). VCF-style: chr1-102914399-C-G. GRCh37 (hg19) VCF-style: chr1-103379955-C-G.
Other names: c.3583G>C, p.Val1195Leu (NM_001168249.1, NM_080630.4); c.3814G>C, p.Val1272Leu (NM_001190709.2); c.3967G>C, p.Val1323Leu (NM_080629.3); short protein forms V1195L, V1272L, V1323L, V1311L.
Identifiers: ClinVar variation 1921639 (VCV001921639.5), dbSNP rs944444858, ClinGen allele CA341161041.

ClinVar aggregate classification (germline): Uncertain significance (1 of 4 stars; one submission).

gnomAD v4.1: 2 of 1,606,900 alleles (0.00012%); highest among the groups gnomAD compares: Non-Finnish European, 0.00017%; no homozygotes.

Submission:

Labcorp Genetics (formerly Invitae), Labcorp
Classification: Uncertain significance. Last evaluated: 2024-02-24. Review status: criteria provided, single submitter. Criteria: Invitae Variant Classification Sherloc (09022015). Collection method: clinical testing. Allele origin: germline.
Comment: This sequence change replaces valine, which is neutral and non-polar, with leucine, which is neutral and non-polar, at codon 1311 of the COL11A1 protein (p.Val1311Leu). This variant is not present in population databases (gnomAD no frequency). This variant has not been reported in the literature in individuals affected with COL11A1-related conditions. ClinVar contains an entry for this variant (Variation ID: 1921639). Advanced modeling of protein sequence and biophysical properties (such as structural, functional, and spatial information, amino acid conservation, physicochemical variation, residue mobility, and thermodynamic stability) performed at Invitae indicates that this missense variant is not expected to disrupt COL11A1 protein function with a negative predictive value of 95%. In summary, the available evidence is currently insufficient to determine the role of this variant in disease. Therefore, it has been classified as a Variant of Uncertain Significance.